The following is an entry in ClinVar:

ClinVar aggregate classification (germline): Uncertain significance (1 of 4 stars; one submission).

Conditions:
Inborn genetic diseases. Identifiers: MedGen C0950123, MeSH D030342.

Submission:

Ambry Genetics
Classification: Uncertain significance for Inborn genetic diseases. Last evaluated: 2025-07-14. Review status: criteria provided, single submitter. Criteria: Ambry Variant Classification Scheme 2023. Collection method: clinical testing. Allele origin: germline.
Comment: The p.P296R variant (also known as c.887C>G), located in coding exon 7 of the PAX5 gene, results from a C to G substitution at nucleotide position 887. The proline at codon 296 is replaced by arginine, an amino acid with dissimilar properties. This amino acid position is conserved. In addition, this alteration is predicted to be deleterious by in silico analysis. Based on the available evidence, the clinical significance of this variant remains unclear.

NM_016734.3(PAX5):c.887C>G (p.Pro296Arg)

Gene: PAX5 (paired box 5; minus strand). Cytogenetic location: 9p13.2.
Variant type: single nucleotide variant.
Coding change: c.887C>G on transcript NM_016734.3 (MANE Select); coding-DNA position 887, C replaced by G.
Protein change: p.Pro296Arg; replaces proline 296 with arginine.
Molecular consequence: missense variant. On other transcripts: intron variant (2).
Genome position (GRCh38, 1-based): chr9:36,923,378, G>C on the plus strand (C>G on the coding strand, the complement: PAX5 is on the minus strand). VCF-style: chr9-36923378-G-C. GRCh37 (hg19) VCF-style: chr9-36923375-G-C.
Other names: c.780+43171C>G (NM_001280550.2, NM_001280549.2); c.887C>G, p.Pro296Arg (NM_001280547.2, NM_001280548.2, NM_001280552.2); c.563C>G, p.Pro188Arg (NM_001280551.2, NM_001280556.2); c.758C>G, p.Pro253Arg (NM_001280553.2, NM_001280554.2); c.689C>G, p.Pro230Arg (NM_001280555.2); short protein forms P253R, P188R, P230R, P296R.
Identifiers: ClinVar variation 4131413 (VCV004131413.1).